The following is an entry in ClinVar:

NM_000277.3(PAH):c.1029T>G (p.Tyr343Ter)

Gene: PAH (phenylalanine hydroxylase; minus strand). Cytogenetic location: 12q23.2.
Variant type: single nucleotide variant.
Coding change: c.1029T>G on transcript NM_000277.3 (MANE Select); coding-DNA position 1029, T replaced by G.
Protein change: p.Tyr343Ter; replaces tyrosine 343 with a stop codon.
Molecular consequence: nonsense.
Genome position (GRCh38, 1-based): chr12:102,844,372, A>C on the plus strand (T>G on the coding strand, the complement: PAH is on the minus strand). VCF-style: chr12-102844372-A-C. GRCh37 (hg19) VCF-style: chr12-103238150-A-C.
Other names: c.1029T>G, p.Tyr343Ter (NM_001354304.2); short protein forms Y343*.
Identifiers: ClinVar variation 1074208 (VCV001074208.9), dbSNP rs1874735553, ClinGen allele CA386493429.
Genomic context (GRCh38, chr12:102,844,372, plus strand): 5'-CCTTGGTTCCTGTGAAGGTCATACCTGTAATTCACCAAAGGATGACAGGAGCCCAGCACC[A>C]TATGCCTTTATGGAGTCTCCTTGTTTGCAGAGCCCAAACTCCACAGTAAACCAGTAAATC-3'

ClinVar aggregate classification (germline): Pathogenic (1 of 4 stars; one submission).

Conditions:
Phenylketonuria (PKU). Also called: Phenylketonurias; Phenylketonuria (PKU); OLIGOPHRENIA PHENYLPYRUVICA; FOLLING DISEASE. Identifiers: Orphanet 716, MedGen C0031485, MONDO:0009861, OMIM 261600. Disease mechanism: loss of function.

Submission:

Labcorp Genetics (formerly Invitae), Labcorp
Classification: Pathogenic for Phenylketonuria. Last evaluated: 2020-08-14. Review status: criteria provided, single submitter. Criteria: Invitae Variant Classification Sherloc (09022015). Collection method: clinical testing. Allele origin: germline.
Comment: This sequence change creates a premature translational stop signal (p.Tyr343*) in the PAH gene. It is expected to result in an absent or disrupted protein product. This variant is not present in population databases (ExAC no frequency). This nonsense change has been observed in individual(s) with phenylketonuria (PMID: 26503515). Loss-of-function variants in PAH are known to be pathogenic (PMID: 1301187, 9634518). For these reasons, this variant has been classified as Pathogenic.

Literature cited by the submitters: PubMed 26503515; PubMed 1301187; PubMed 9634518.